The following is an entry in ClinVar:

NM_000138.5(FBN1):c.2026G>T (p.Gly676Cys)

Gene: FBN1 (fibrillin 1; minus strand). Cytogenetic location: 15q21.1.
Variant type: single nucleotide variant.
Coding change: c.2026G>T on transcript NM_000138.5 (MANE Select); coding-DNA position 2026, G replaced by T.
Protein change: p.Gly676Cys; replaces glycine 676 with cysteine.
Molecular consequence: missense variant.
Genome position (GRCh38, 1-based): chr15:48,503,874, C>A on the plus strand (G>T on the coding strand, the complement: FBN1 is on the minus strand). VCF-style: chr15-48503874-C-A. GRCh37 (hg19) VCF-style: chr15-48796071-C-A.
Other names: short protein forms G676C.
Identifiers: ClinVar variation 1495161 (VCV001495161.6), dbSNP rs2141315849, ClinGen allele CA392338463.

ClinVar aggregate classification (germline): Likely pathogenic (1 of 4 stars; one submission).

Conditions:
Marfan syndrome (MFS). Also called: MARFAN SYNDROME, TYPE I; Marfan syndrome type 1; Marfan's syndrome; Marfan syndrome, classic; FBN1-Related Marfan Syndrome. Identifiers: Orphanet 284963, Orphanet 558, MedGen C0024796, MONDO:0007947, OMIM 154700.
Familial thoracic aortic aneurysm and aortic dissection (TAAD). Also called: Thoracic aortic aneurysms and dissections. Identifiers: Orphanet 91387, MedGen C4707243, MONDO:0019625.

Submission:

Labcorp Genetics (formerly Invitae), Labcorp
Classification: Likely pathogenic for Marfan syndrome; Familial thoracic aortic aneurysm and aortic dissection. Last evaluated: 2024-02-19. Review status: criteria provided, single submitter. Criteria: Invitae Variant Classification Sherloc (09022015). Collection method: clinical testing. Allele origin: germline.
Comment: This sequence change replaces glycine, which is neutral and non-polar, with cysteine, which is neutral and slightly polar, at codon 676 of the FBN1 protein (p.Gly676Cys). This variant is not present in population databases (gnomAD no frequency). This missense change has been observed in individuals with clinical features of Marfan syndrome (Invitae). ClinVar contains an entry for this variant (Variation ID: 1495161). Advanced modeling of protein sequence and biophysical properties (such as structural, functional, and spatial information, amino acid conservation, physicochemical variation, residue mobility, and thermodynamic stability) performed at Invitae indicates that this missense variant is expected to disrupt FBN1 protein function with a positive predictive value of 95%. Algorithms developed to predict the effect of sequence changes on RNA splicing suggest that this variant may disrupt the consensus splice site. In summary, the currently available evidence indicates that the variant is pathogenic, but additional data are needed to prove that conclusively. Therefore, this variant has been classified as Likely Pathogenic.